The following is an entry in ClinVar:

NM_006642.5(SDCCAG8):c.675+275G>A

Gene: SDCCAG8 (SHH signaling and ciliogenesis regulator SDCCAG8; plus strand). Cytogenetic location: 1q43.
Variant type: single nucleotide variant.
Coding change: c.675+275G>A on transcript NM_006642.5 (MANE Select); 275 bases into the intron after coding-DNA position 675, G replaced by A.
Molecular consequence: intron variant. On other transcripts: synonymous variant (1), 5 prime UTR variant (1).
Genome position (GRCh38, 1-based): chr1:243,293,494, G>A. VCF-style: chr1-243293494-G-A. GRCh37 (hg19) VCF-style: chr1-243456796-G-A.
Other names: c.771G>A, p.Ser257= (NM_001350248.2); c.-603G>A (NM_001350251.2); c.381+275G>A (NM_001350249.2); c.-438+275G>A (NM_001350246.2); c.-326+275G>A (NM_001350247.2).
Identifiers: ClinVar variation 3354463 (VCV003354463.1).
Genomic context (GRCh38, chr1:243,293,494, plus strand): 5'-TATTAAACAATATCTCCATTCCCCTCCCTGCCAACCCCTGATGACCTCTCTTCAACTTTC[G>A]GTCTGTATAAATTTGCCTATTTCAGATACTTGACATAAGTGGAATTAAACAATACTTGTC-3'

ClinVar aggregate classification (germline): Uncertain significance (0 of 4 stars; one submission).

Conditions:
SDCCAG8-related disorder. Also called: SDCCAG8-Related Disorders; SDCCAG8-related condition.

gnomAD v4.1: 28 of 572,270 alleles (0.0049%); highest among the groups gnomAD compares: South Asian, 0.017%; 1 homozygote.

Submission:

PreventionGenetics, part of Exact Sciences
Classification: Uncertain significance for SDCCAG8-related condition. Last evaluated: 2024-06-25. Review status: no assertion criteria provided. Collection method: clinical testing. Allele origin: germline.
Comment: The SDCCAG8 c.771G>A variant is not predicted to result in an amino acid change (p.=). This variant affects the last nucleotide of exon 7 and is predicted to alter splicing based on available splicing prediction programs (SpliceAI, Jaganathan et al. 2019. PubMed ID: 30661751). However, the use of computer prediction programs is not equivalent to functional evidence. To our knowledge, this variant has not been reported in the literature. This variant is reported in 0.027% of alleles in individuals of South Asian descent in gnomAD. At this time, the clinical significance of this variant is uncertain due to the absence of conclusive functional and genetic evidence.